The following is an entry in ClinVar:

ClinVar aggregate classification (germline): Uncertain significance (1 of 4 stars; one submission).

Submission:

Labcorp Genetics (formerly Invitae), Labcorp
Classification: Uncertain significance. Last evaluated: 2022-01-18. Review status: criteria provided, single submitter. Criteria: Invitae Variant Classification Sherloc (09022015). Collection method: clinical testing. Allele origin: germline.
Comment: Algorithms developed to predict the effect of missense changes on protein structure and function (SIFT, PolyPhen-2, Align-GVGD) all suggest that this variant is likely to be tolerated. This variant has not been reported in the literature in individuals affected with CTR9-related conditions. This variant is not present in population databases (gnomAD no frequency). This sequence change replaces serine, which is neutral and polar, with leucine, which is neutral and non-polar, at codon 1054 of the CTR9 protein (p.Ser1054Leu). In summary, the available evidence is currently insufficient to determine the role of this variant in disease. Therefore, it has been classified as a Variant of Uncertain Significance.

NM_014633.5(CTR9):c.3161C>T (p.Ser1054Leu)

Gene: CTR9 (CTR9 component of Paf1/RNA polymerase II complex; plus strand). Cytogenetic location: 11p15.4.
Variant type: single nucleotide variant.
Coding change: c.3161C>T on transcript NM_014633.5 (MANE Select); coding-DNA position 3161, C replaced by T.
Protein change: p.Ser1054Leu; replaces serine 1054 with leucine.
Molecular consequence: missense variant.
Genome position (GRCh38, 1-based): chr11:10,778,744, C>T. VCF-style: chr11-10778744-C-T. GRCh37 (hg19) VCF-style: chr11-10800291-C-T.
Other names: c.3089C>T, p.Ser1030Leu (NM_001346279.2); short protein forms S1054L, S1030L.
Identifiers: ClinVar variation 2087454 (VCV002087454.4), dbSNP rs1487864289, ClinGen allele CA379679152.
Genomic context (GRCh38, chr11:10,778,744, plus strand): 5'-CCAGGAACAGCAACAGCAACAGTGACTCAGACGAGGACGAACAACGAAAGAAATGTGCCT[C>T]ATCAGAGAGTGATTCCGATGAGAACCAGAACAAGTCTGGCAGCGAGGCCGGCAGTCCCCG-3'
Protein context (NP_055448.1, residues 1044-1064): DEDEQRKKCA[Ser1054Leu]SESDSDENQN